The following is an entry in ClinVar:

ClinVar aggregate classification (germline): Uncertain significance. Review status: criteria provided, multiple submitters, no conflicts (2 of 4 stars). 5 submissions from 5 submitters: Uncertain significance (4). 1 of the submissions does not count toward it. Last evaluated 2025-08-05.

Conditions:
Fumarase deficiency (FMRD). Also called: Fumaric aciduria; Fumarate Hydratase Deficiency. Identifiers: Orphanet 24, MedGen C0342770, MONDO:0011730, OMIM 606812.
Hereditary cancer-predisposing syndrome. Also called: Neoplastic Syndromes, Hereditary; Hereditary neoplastic syndrome; Tumor predisposition; Hereditary Cancer Syndrome. Identifiers: Orphanet 140162, MedGen C0027672, MeSH D009386, MONDO:0015356.

Allele frequency attached by ClinVar (database versions not stated): gnomAD exomes 0.00001; TOPMed 0.00001.
gnomAD v4.1: 12 of 1,546,742 alleles (0.00078%); highest among the groups gnomAD compares: African/African-American, 0.0014%; no homozygotes.

Submissions (5):

Labcorp Genetics (formerly Invitae), Labcorp
Classification: Uncertain significance. Last evaluated: 2025-08-05. Review status: criteria provided, single submitter. Criteria: Invitae Variant Classification Sherloc (09022015). Collection method: clinical testing. Allele origin: germline.
Comment: This sequence change replaces arginine, which is basic and polar, with cysteine, which is neutral and slightly polar, at codon 10 of the FH protein (p.Arg10Cys). This variant is present in population databases (rs201507555, gnomAD 0.004%). This variant has not been reported in the literature in individuals affected with FH-related conditions. ClinVar contains an entry for this variant (Variation ID: 837796). Invitae Evidence Modeling of protein sequence and biophysical properties (such as structural, functional, and spatial information, amino acid conservation, physicochemical variation, residue mobility, and thermodynamic stability) has been performed for this missense variant. However, the output from this modeling did not meet the statistical confidence thresholds required to predict the impact of this variant on FH protein function. In summary, the available evidence is currently insufficient to determine the role of this variant in disease. Therefore, it has been classified as a Variant of Uncertain Significance.

Ambry Genetics
Classification: Uncertain significance for Hereditary cancer-predisposing syndrome. Last evaluated: 2024-02-12. Review status: criteria provided, single submitter. Criteria: Ambry Variant Classification Scheme 2023. Collection method: clinical testing. Allele origin: germline.
Comment: The p.R10C variant (also known as c.28C>T), located in coding exon 1 of the FH gene, results from a C to T substitution at nucleotide position 28. The arginine at codon 10 is replaced by cysteine, an amino acid with highly dissimilar properties. This amino acid position is highly conserved in available vertebrate species. In addition, this alteration is predicted to be deleterious by in silico analysis. Based on the available evidence, the clinical significance of this alteration remains unclear.

GeneDx
Classification: Uncertain significance. Last evaluated: 2023-05-17. Review status: criteria provided, single submitter. Criteria: GeneDx Variant Classification Process June 2021. Collection method: clinical testing. Allele origin: germline. Affected: yes.
Comment: Not observed at significant frequency in large population cohorts (gnomAD); In silico analysis supports that this missense variant does not alter protein structure/function; Has not been previously published as pathogenic or benign to our knowledge

Institute for Clinical Genetics, University Hospital TU Dresden, University Hospital TU Dresden
Classification: Uncertain significance. Last evaluated: 2021-11-03. Review status: criteria provided, single submitter. Criteria: ACMG Guidelines, 2015. Collection method: clinical testing. Allele origin: germline.

Natera, Inc.
Classification: Uncertain significance for Fumarase Deficiency. Last evaluated: 2020-08-20. Review status: no assertion criteria provided. Collection method: clinical testing. Allele origin: germline. Not counted in ClinVar's aggregate classification.

NM_000143.4(FH):c.28C>T (p.Arg10Cys)

Gene: FH (fumarate hydratase; minus strand). Cytogenetic location: 1q43.
Variant type: single nucleotide variant.
Coding change: c.28C>T on transcript NM_000143.4 (MANE Select); coding-DNA position 28, C replaced by T.
Protein change: p.Arg10Cys; replaces arginine 10 with cysteine.
Molecular consequence: missense variant.
Genome position (GRCh38, 1-based): chr1:241,519,695, G>A on the plus strand (C>T on the coding strand, the complement: FH is on the minus strand). VCF-style: chr1-241519695-G-A. GRCh37 (hg19) VCF-style: chr1-241682995-G-A.
Other names: short protein forms R10C.
Identifiers: ClinVar variation 837796 (VCV000837796.18), dbSNP rs201507555, ClinGen allele CA40338083.
Genomic context (GRCh38, chr1:241,519,695, plus strand): 5'-CACCCAAGCCGGGAGCCGAAGCTAAGGCTGCGGCTGGAGCCCGCACGAGGGGACGCGAGC[G>A]CGCGAGGAGCCGAAGTGCTCGGTACATGGTGCTGAGGGAGCTTGGGTAGAATTTCTGGGC-3'
Protein context (NP_000134.2, residues 1-20): MYRALRLLA[Arg10Cys]SRPLVRAPAA